The following is an entry in ClinVar:

ClinVar aggregate classification (germline): Uncertain significance. Review status: criteria provided, multiple submitters, no conflicts (2 of 4 stars). 2 submissions from 2 submitters: Uncertain significance (2). Last evaluated 2021-05-21.

Conditions:
Polycystic lipomembranous osteodysplasia with sclerosing leukoencephalopathy 2. Also called: TREM2-Related Polycystic Lipomembranous Osteodysplasia with Sclerosing Leukoencephalopathy. Identifiers: MedGen C4748657, MONDO:0020750, OMIM 618193.

Allele frequency attached by ClinVar (database versions not stated): gnomAD exomes 0.00001 and 0.00003; TOPMed 0.00001.
gnomAD v4.1: 39 of 1,567,570 alleles (0.0025%); highest among the groups gnomAD compares: Non-Finnish European, 0.0031%; no homozygotes.

Submissions (2):

Labcorp Genetics (formerly Invitae), Labcorp
Classification: Uncertain significance. Last evaluated: 2021-05-21. Review status: criteria provided, single submitter. Criteria: Invitae Variant Classification Sherloc (09022015). Collection method: clinical testing. Allele origin: germline.
Comment: This variant occurs in a non-coding region of the TREM2 gene. It does not change the encoded amino acid sequence of the TREM2 protein. This variant is not present in population databases (ExAC no frequency). This variant has not been reported in the literature in individuals with TREM2-related conditions. ClinVar contains an entry for this variant (Variation ID: 906351). Experimental studies and prediction algorithms are not available or were not evaluated, and the functional significance of this variant is currently unknown. In summary, the available evidence is currently insufficient to determine the role of this variant in disease. Therefore, it has been classified as a Variant of Uncertain Significance.

Illumina Laboratory Services, Illumina
Classification: Uncertain significance for Polycystic lipomembranous osteodysplasia with sclerosing leukoencephalopathy 2. Last evaluated: 2018-01-12. Review status: criteria provided, single submitter. Criteria: ICSL Variant Classification Criteria 13 December 2019. Collection method: clinical testing. Allele origin: germline.

NM_018965.4(TREM2):c.*157G>A

Gene: TREM2 (triggering receptor expressed on myeloid cells 2; minus strand). Cytogenetic location: 6p21.1.
Variant type: single nucleotide variant.
Coding change: c.*157G>A on transcript NM_018965.4 (MANE Select); 157 bases downstream of the stop codon, G replaced by A.
Molecular consequence: 3 prime UTR variant. On other transcripts: missense variant (1).
Genome position (GRCh38, 1-based): chr6:41,158,607, C>T on the plus strand (G>A on the coding strand, the complement: TREM2 is on the minus strand). VCF-style: chr6-41158607-C-T. GRCh37 (hg19) VCF-style: chr6-41126345-C-T.
Other names: c.656G>A, p.Gly219Asp (NM_001271821.2); short protein forms G219D.
Identifiers: ClinVar variation 906351 (VCV000906351.6), dbSNP rs1232354245, ClinGen allele CA364056920.
Genomic context (GRCh38, chr6:41,158,607, plus strand): 5'-TTTAAAATGTCCAATATTCAGAAGTTGTCAGGTGTTCTTACCACCTCCCCACTCCCTCAA[C>T]CAGTCCCTGCTTCCAGGGTCCAGGAGAAGCAGTGTTCAGGCAGAGTAGTCTCTTGCCAGA-3'